The following is an entry in ClinVar:

NM_000089.4(COL1A2):c.1045G>C (p.Gly349Arg)

Gene: COL1A2 (collagen type I alpha 2 chain; plus strand). Cytogenetic location: 7q21.3.
Variant type: single nucleotide variant.
Coding change: c.1045G>C on transcript NM_000089.4 (MANE Select); coding-DNA position 1045, G replaced by C.
Protein change: p.Gly349Arg; replaces glycine 349 with arginine.
Molecular consequence: missense variant.
Genome position (GRCh38, 1-based): chr7:94,410,251, G>C. VCF-style: chr7-94410251-G-C. GRCh37 (hg19) VCF-style: chr7-94039563-G-C.
Other names: short protein forms G349R.
Identifiers: ClinVar variation 1389787 (VCV001389787.6), dbSNP rs66773001, ClinGen allele CA368221035.
Genomic context (GRCh38, chr7:94,410,251, plus strand): 5'-GAGTTTCAACAAATGTTTGTCCTTTGACCACTGTTCTGTATTGAACCCTAGGGTGAGCCT[G>C]GTCCAGCTGGCTCCAAAGGAGAGAGCGGTAACAAGGGTGAGCCCGTAAGTAGCTCTATCA-3'
Protein context (NP_000080.2, residues 339-359): TGARGLVGEP[Gly349Arg]PAGSKGESGN

ClinVar aggregate classification (germline): Pathogenic (1 of 4 stars; one submission).

Conditions:
Ehlers-Danlos syndrome, classic type, 1 (EDSCL1). Also called: EHLERS-DANLOS SYNDROME, GRAVIS TYPE; EHLERS-DANLOS SYNDROME, SEVERE CLASSIC TYPE; Ehlers-Danlos syndrome, type 1; Ehlers-Danlos Syndrome, Classic Type, COL5A1-Related; EDS I. Identifiers: MedGen C0268335, MONDO:0019567, OMIM 130000.
Osteogenesis imperfecta type I (OI1). Also called: OI, TYPE I; OSTEOGENESIS IMPERFECTA TARDA; OSTEOGENESIS IMPERFECTA WITH BLUE SCLERAE; Osteogenesis imperfecta type 1; Lobstein's Disease; Lobstein disease. Identifiers: Orphanet 216796, Orphanet 666, MedGen C0023931, MONDO:0008146, OMIM 166200. Disease mechanism: loss of function.

Submission:

Labcorp Genetics (formerly Invitae), Labcorp
Classification: Pathogenic for Osteogenesis imperfecta type I; Ehlers-Danlos syndrome, classic type, 1. Last evaluated: 2021-08-16. Review status: criteria provided, single submitter. Criteria: Invitae Variant Classification Sherloc (09022015). Collection method: clinical testing. Allele origin: germline.
Comment: For these reasons, this variant has been classified as Pathogenic. This variant disrupts the p.Gly349 amino acid residue in COL1A2. Other variant(s) that disrupt this residue have been observed in individuals with COL1A2-related conditions (PMID: 17078022), which suggests that this may be a clinically significant amino acid residue. This variant disrupts the triple helix domain of COL1A2. Glycine residues within the Gly-Xaa-Yaa repeats of the triple helix domain are required for the structure and stability of fibrillar collagens (PMID: 7695699, 8218237, 19344236). In COL1A2, variants affecting these glycine residues are significantly enriched in individuals with disease (PMID: 9016532, 17078022) compared to the general population (ExAC). Advanced modeling of protein sequence and biophysical properties (such as structural, functional, and spatial information, amino acid conservation, physicochemical variation, residue mobility, and thermodynamic stability) performed at Invitae indicates that this missense variant is expected to disrupt COL1A2 protein function. This missense change has been observed in individual(s) with osteogenesis imperfecta (Invitae). This variant is not present in population databases (ExAC no frequency). This sequence change replaces glycine with arginine at codon 349 of the COL1A2 protein (p.Gly349Arg). The glycine residue is highly conserved and there is a moderate physicochemical difference between glycine and arginine.

Literature cited by the submitters: PubMed 17078022; PubMed 7695699; PubMed 8218237; PubMed 19344236; PubMed 9016532.